The following is an entry in ClinVar:

ClinVar aggregate classification (germline): Uncertain significance (1 of 4 stars; one submission).

Conditions:
TOP2B-related disorder. Also called: TOP2B-related condition.

Submission:

3billion
Classification: Uncertain significance for TOP2B-related disorder. Last evaluated: 2025-10-29. Review status: criteria provided, single submitter. Criteria: ACMG Guidelines, 2015. Collection method: clinical testing. Allele origin: germline. Affected: yes.
Comment: The variant is not observed in the gnomAD v4.1.0 dataset. Predicted Consequence/Location: Missense variant. Missense changes are a common disease-causing mechanism. Therefore, this variant is classified as VUS according to the recommendation of ACMG/AMP guideline.

NM_001330700.2(TOP2B):c.2114T>G (p.Phe705Cys)

Gene: TOP2B (DNA topoisomerase II beta; minus strand). Cytogenetic location: 3p24.2.
Variant type: single nucleotide variant.
Coding change: c.2114T>G on transcript NM_001330700.2 (MANE Select); coding-DNA position 2114, T replaced by G.
Protein change: p.Phe705Cys; replaces phenylalanine 705 with cysteine.
Molecular consequence: missense variant.
Genome position (GRCh38, 1-based): chr3:25,626,670, A>C on the plus strand (T>G on the coding strand, the complement: TOP2B is on the minus strand). VCF-style: chr3-25626670-A-C. GRCh37 (hg19) VCF-style: chr3-25668161-A-C.
Other names: c.2099T>G, p.Phe700Cys (NM_001068.3); short protein forms F700C, F705C.
Identifiers: ClinVar variation 4855223 (VCV004855223.1).
Genomic context (GRCh38, chr3:25,626,670, plus strand): 5'-ATCAATTCCTTGTTGATGAAATCATTATAAGTCAAATGCTTTGTTGCAGTACCATATAAA[A>C]ATTGCTAAGAGAAAAGTTATATAGCAATATTATCATTATTACTGCATGAATTCTAGTCTC-3'
Protein context (NP_001317629.1, residues 695-715): QRRLHGLPEQ[Phe705Cys]LYGTATKHLT